The following is an entry in ClinVar:

ClinVar aggregate classification (germline): Pathogenic. Review status: criteria provided, multiple submitters, no conflicts (2 of 4 stars). 10 submissions from 10 submitters: Pathogenic (9). 1 of the submissions does not count toward it. Last evaluated 2026-03-09.

Conditions:
MYO7A-related disorder. Also called: MYO7A-related disorders.
Usher syndrome. Also called: Usher's syndrome; Usher Syndromes. Identifiers: Orphanet 886, MedGen CN469326, MeSH D052245, MONDO:0019501. Disease mechanism: loss of function.
Usher syndrome type 1B (USH1B). Also called: Usher syndrome type IB. Identifiers: MedGen C1848638, MONDO:0700087.
Autosomal recessive nonsyndromic hearing loss 2. Also called: DEAFNESS, AUTOSOMAL RECESSIVE 2; NEUROSENSORY NONSYNDROMIC RECESSIVE DEAFNESS 2. Identifiers: Orphanet 90636, MedGen C1838701, MONDO:0010807, OMIM 600060.

Submissions (10):

PreventionGenetics, part of Exact Sciences
Classification: Pathogenic for MYO7A-related condition. Last evaluated: 2026-03-09. Review status: criteria provided, single submitter. Criteria: ACMG Guidelines, 2015. Collection method: clinical testing. Allele origin: germline.
Comment: The MYO7A c.448C>T variant is predicted to result in premature protein termination (p.Arg150*). This variant has been reported in patients with Usher syndrome, retinitis pigmentosa, and hearing loss (Weil et al. 1995. PubMed ID: 7870171; Gao et al. 2019. PubMed ID: 31054281; Asgharzade et al. 2017. PubMed ID: 28451532; Table S1, Khateb et al. 2020. PubMed ID: 31479088; Galbis-Martínez et al. 2021. PubMed ID: 33576163). This variant has not been reported in a large population database, indicating this variant is rare. Nonsense variants in MYO7A are expected to be pathogenic. This variant is interpreted as pathogenic.

Genetics Research Center, University of Social Welfare and Rehabilitation Sciences
Classification: Pathogenic for Autosomal recessive nonsyndromic hearing loss 2. Last evaluated: 2025-12-09. Review status: criteria provided, single submitter. Criteria: ACMG Guidelines, 2015. Collection method: research. Allele origin: germline. Affected: yes.
Comment: The variant is not present in the gnomAD v2.1.1 dataset and has been previously reported in individual(s) affected with MYO7A-related hearing loss (PMID:28451532, 25080338, 21031134, 16470552, 20844544, 20613545, 9002678, 30358468, 8900236, 7870171, 31054281, 25404053, 7568224). It is a stop-gain mutation expected to disrupt normal protein function either through nonsense-mediated decay (NMD) or by producing a truncated protein.

Revvity Omics, Revvity
Classification: Pathogenic. Last evaluated: 2025-03-28. Review status: criteria provided, single submitter. Criteria: ACMG Guidelines, 2015. Collection method: clinical testing. Allele origin: germline.

Blueprint Genetics
Classification: Pathogenic for MYO7A-related disorders. Last evaluated: 2024-09-30. Review status: criteria provided, single submitter. Criteria: ACMG Guidelines, 2015. Collection method: clinical testing. Allele origin: germline. Affected: yes. Observed: 5 variant alleles.

Natera, Inc.
Classification: Pathogenic for Usher syndrome type 1B. Last evaluated: 2024-04-24. Review status: criteria provided, single submitter. Criteria: Natera Variant Classification Schema (03/2026). Collection method: clinical testing. Allele origin: germline.
Comment: The c.448C>T variant in MYO7A is a nonsense variant predicted to introduce a stop codon at amino acid 150. This variant is expected to result in nonsense mediated decay, truncation, or a dysfunctional protein product. This variant is rare in the general population with a frequency below the threshold expected for the associated phenotype(s). This variant has been observed in one or more individuals affected with the associated recessive disease, as either homozygous or compound heterozygous with a second variant (PMID: 31479088). Given the available evidence, this variant is classified as Pathogenic.

Labcorp Genetics (formerly Invitae), Labcorp
Classification: Pathogenic. Last evaluated: 2023-08-20. Review status: criteria provided, single submitter. Criteria: Invitae Variant Classification Sherloc (09022015). Collection method: clinical testing. Allele origin: germline.
Comment: This variant is not present in population databases (gnomAD no frequency). For these reasons, this variant has been classified as Pathogenic. ClinVar contains an entry for this variant (Variation ID: 11847). This premature translational stop signal has been observed in individuals with autosomal recessive Usher syndrome (PMID: 7870171, 28451532). It has also been observed to segregate with disease in related individuals. This sequence change creates a premature translational stop signal (p.Arg150*) in the MYO7A gene. It is expected to result in an absent or disrupted protein product. Loss-of-function variants in MYO7A are known to be pathogenic (PMID: 8900236, 25404053).

Laboratory for Molecular Medicine, Mass General Brigham Personalized Medicine
Classification: Pathogenic for Usher syndrome. Last evaluated: 2020-08-13. Review status: criteria provided, single submitter. Criteria: LMM Criteria. Collection method: clinical testing. Allele origin: germline. Inheritance: Autosomal recessive inheritance. Observed: 3 variant alleles.
Comment: The p.Arg150X variant in MYO7A has been previously reported in five individuals with Usher syndrome and one individual with sensorineural hearing loss who were either homozygous for the variant or harbored a second pathogenic MYO7A variant in trans (Jaijo 2006 PMID:16470552, Kimberling 2010 PMID:20613545, Nakanishi 2010 PMID:20844544, Asgharzade 2017 PMID:28451532, Ivanova 2018 PMID:30358468, Gao 2019 PMID:31054281, LMM unpublished data). It is absent from large population studies. This nonsense variant leads to a premature termination codon at position 150, which is predicted to lead to a truncated or absent protein. Loss of function of the MYO7A gene is an established disease mechanism in autosomal recessive Usher syndrome. In summary, this variant meets criteria to be classified as pathogenic for autosomal recessive Usher syndrome. ACMG/AMP Criteria applied: PVS1, PM2, PM3, PP4.

Victorian Clinical Genetics Services, Murdoch Childrens Research Institute
Classification: Pathogenic for Autosomal recessive nonsyndromic hearing loss 2. Last evaluated: 2020-05-25. Review status: criteria provided, single submitter. Criteria: ACMG Guidelines, 2015. Collection method: clinical testing. Allele origin: germline. Inheritance: Autosomal recessive inheritance. Affected: yes.
Comment: Based on the classification scheme VCGS_Germline_v1.1.1, this variant is classified as pathogenic. Following criteria are met: 0102 - Loss-of-function is a known mechanism of disease for this gene. (N) 0108 - This gene is known to be associated with both recessive and dominant disease. (N) 0201 - Variant is predicted to cause nonsense-mediated decay (NMD) and loss of protein. (exon 5 of 9). (P) 0251 - Variant is heterozygous. (N) 0301 - Variant is absent from gnomAD. (P) 0701 - Comparable variants have very strong previous evidence for pathogenicity (Decipher, ClinVar, Subira, O. et al. (2019), Bademci, G. et al. (2016)). (P) 0802 - Moderate previous evidence of pathogenicity in unrelated individuals with hearing loss and Usher syndrome (LOVD, ClinVar, Asgharzade, S. et al. (2017)). (P) 0905 - No segregation evidence has been identified for this variant. (N) 1007 - No published functional evidence has been identified for this variant. (N) 1201 - Heterozygous variant detected in trans with a second (at least likely) pathogenic heterozygous variant in a recessive disease. (P) 1208 - Inheritance information for this variant is not currently available. (N) Legend: (P) - Pathogenic, (N) - Neutral, (B) - Benign

GeneDx
Classification: Pathogenic. Last evaluated: 2020-03-20. Review status: criteria provided, single submitter. Criteria: GeneDx Variant Classification Process June 2021. Collection method: clinical testing. Allele origin: germline. Affected: yes.
Comment: Nonsense variant predicted to result in protein truncation or nonsense mediated decay in a gene for which loss-of-function is a known mechanism of disease; This variant is associated with the following publications: (PMID: 25525159, 16470552, 28451532, 31479088, 7568224, 7870171, 9002678, 20613545, 31054281, 33576163)

OMIM
Classification: Pathogenic for USHER SYNDROME, TYPE IB. Last evaluated: 1995-10-10. Review status: no assertion criteria provided. Collection method: literature only. Allele origin: germline. Not counted in ClinVar's aggregate classification.

Literature cited by the submitters: PubMed 28451532 (cited by 3 submitters); PubMed 25080338 (cited by Genetics Research Center, University of Social Welfare and Rehabilitation Sciences); PubMed 21031134 (cited by Genetics Research Center, University of Social Welfare and Rehabilitation Sciences); PubMed 16470552 (cited by Genetics Research Center, University of Social Welfare and Rehabilitation Sciences and Laboratory for Molecular Medicine, Mass General Brigham Personalized Medicine); PubMed 20844544 (cited by Genetics Research Center, University of Social Welfare and Rehabilitation Sciences and Laboratory for Molecular Medicine, Mass General Brigham Personalized Medicine); PubMed 20613545 (cited by Genetics Research Center, University of Social Welfare and Rehabilitation Sciences and Laboratory for Molecular Medicine, Mass General Brigham Personalized Medicine); PubMed 9002678 (cited by Genetics Research Center, University of Social Welfare and Rehabilitation Sciences and Laboratory for Molecular Medicine, Mass General Brigham Personalized Medicine); PubMed 30358468 (cited by Genetics Research Center, University of Social Welfare and Rehabilitation Sciences and Laboratory for Molecular Medicine, Mass General Brigham Personalized Medicine); PubMed 8900236 (cited by Genetics Research Center, University of Social Welfare and Rehabilitation Sciences and Labcorp Genetics (formerly Invitae), Labcorp); PubMed 7870171 (cited by 3 submitters); PubMed 31054281 (cited by Genetics Research Center, University of Social Welfare and Rehabilitation Sciences and Laboratory for Molecular Medicine, Mass General Brigham Personalized Medicine); PubMed 25404053 (cited by Genetics Research Center, University of Social Welfare and Rehabilitation Sciences and Labcorp Genetics (formerly Invitae), Labcorp); PubMed 7568224 (cited by Genetics Research Center, University of Social Welfare and Rehabilitation Sciences and OMIM); PubMed 31479088 (cited by Natera, Inc.).

NM_000260.4(MYO7A):c.448C>T (p.Arg150Ter)

Gene: MYO7A (myosin VIIA; plus strand). Cytogenetic location: 11q13.5.
Variant type: single nucleotide variant.
Coding change: c.448C>T on transcript NM_000260.4 (MANE Select); coding-DNA position 448, C replaced by T.
Protein change: p.Arg150Ter; replaces arginine 150 with a stop codon.
Molecular consequence: nonsense.
Genome position (GRCh38, 1-based): chr11:77,156,069, C>T. VCF-style: chr11-77156069-C-T. GRCh37 (hg19) VCF-style: chr11-76867115-C-T.
Other names: c.448C>T, p.Arg150Ter (NM_001127180.2); c.415C>T, p.Arg139Ter (NM_001369365.1); short protein forms R150*, R139*.
Identifiers: ClinVar variation 11847 (VCV000011847.20), dbSNP rs121965079, ClinGen allele CA277957.